The following is an entry in ClinVar:

NM_002905.5(RDH5):c.712G>C (p.Gly238Arg)

Genes: RDH5 (retinol dehydrogenase 5; plus strand), BLOC1S1-RDH5 (BLOC1S1-RDH5 readthrough; plus strand), CD63 (CD63 molecule; minus strand). Cytogenetic location: 12q13.2.
Variant type: single nucleotide variant.
Coding change: c.712G>C on transcript NM_002905.5 (MANE Select); coding-DNA position 712, G replaced by C.
Protein change: p.Gly238Arg; replaces glycine 238 with arginine.
Molecular consequence: missense variant. On other transcripts: non-coding transcript variant (1), 3 prime UTR variant (2).
Genome position (GRCh38, 1-based): chr12:55,724,028, G>C. VCF-style: chr12-55724028-G-C. GRCh37 (hg19) VCF-style: chr12-56117812-G-C.
Other names: c.712G>C, p.Gly238Arg (NM_001199771.3); c.*1036C>G (NM_001413284.1); c.*1051C>G (NM_001413285.1); short protein forms G238R.
Identifiers: ClinVar variation 3340053 (VCV003340053.1).

ClinVar aggregate classification (germline): Uncertain significance (1 of 4 stars; one submission).

gnomAD v4.1: 3 of 1,611,424 alleles (0.00019%); highest among the groups gnomAD compares: Non-Finnish European, 0.00025%; no homozygotes.

Submission:

Women's Health and Genetics/Laboratory Corporation of America, LabCorp
Classification: Uncertain significance. Last evaluated: 2024-06-14. Review status: criteria provided, single submitter. Criteria: LabCorp Variant Classification Summary - May 2015. Collection method: clinical testing. Allele origin: germline.
Comment: Variant summary: RDH5 c.712G>C (p.Gly238Arg) results in a non-conservative amino acid change in the encoded protein sequence. Five of five in-silico tools predict a damaging effect of the variant on protein function. The variant allele was found at a frequency of 4.1e-06 in 246894 control chromosomes. The available data on variant occurrences in the general population are insufficient to allow any conclusion about variant significance. To our knowledge, no occurrence of c.712G>C in individuals affected with Pigmentary retinal dystrophy and no experimental evidence demonstrating its impact on protein function have been reported. No submitters have cited clinical-significance assessments for this variant to ClinVar. Based on the evidence outlined above, the variant was classified as uncertain significance.